The following is an entry in ClinVar:

NM_015215.4(CAMTA1):c.4942C>T (p.Arg1648Cys)

Gene: CAMTA1 (calmodulin binding transcription activator 1; plus strand). Cytogenetic location: 1p36.23.
Variant type: single nucleotide variant.
Coding change: c.4942C>T on transcript NM_015215.4 (MANE Select); coding-DNA position 4942, C replaced by T.
Protein change: p.Arg1648Cys; replaces arginine 1648 with cysteine.
Molecular consequence: missense variant.
Genome position (GRCh38, 1-based): chr1:7,752,517, C>T. VCF-style: chr1-7752517-C-T. GRCh37 (hg19) VCF-style: chr1-7812577-C-T.
Other names: c.4852C>T, p.Arg1618Cys (NM_001349608.2); c.4624C>T, p.Arg1542Cys (NM_001349609.2); c.4618C>T, p.Arg1540Cys (NM_001349610.2); c.4534C>T, p.Arg1512Cys (NM_001349612.2); c.2071C>T, p.Arg691Cys (NM_001349613.1); c.2035C>T, p.Arg679Cys (NM_001349614.1, NM_001349615.2, NM_001349616.2); c.2014C>T, p.Arg672Cys (NM_001349617.1, NM_001349618.2); c.1696C>T, p.Arg566Cys (NM_001349619.2, NM_001349620.1, NM_001349621.1 and 1 more transcripts); and 1 more; short protein forms R1648C, R1618C, R1540C, R1542C, R1512C, R566C, R672C, R691C.
Identifiers: ClinVar variation 421997 (VCV000421997.2), dbSNP rs372954423, ClinGen allele CA567288.

ClinVar aggregate classification (germline): Uncertain significance (1 of 4 stars; one submission).

Allele frequency attached by ClinVar (database versions not stated): ExAC 0.00001; gnomAD 0.00001; gnomAD exomes 0.00001; TOPMed 0.00001 and 0.00002; ESP Exome Variant Server 0.00008.
gnomAD v4.1: 13 of 1,607,708 alleles (0.00081%); highest among the groups gnomAD compares: East Asian, 0.0045%; no homozygotes.

Submission:

GeneDx
Classification: Uncertain significance. Last evaluated: 2016-08-18. Review status: criteria provided, single submitter. Criteria: GeneDx Variant Classification (06012015). Collection method: clinical testing. Allele origin: germline. Affected: yes.
Comment: The R1648C variant in the CAMTA1 gene has not been reported previously as a pathogenic variant, nor as a benign variant, to our knowledge. The R1648C variant was not observed at any significant frequency in approximately 6,500 individuals of European and African American ancestry in the NHLBI Exome Sequencing Project, indicating it is not a common benign variant in these populations. The R1648C variant is a non-conservative amino acid substitution, which is likely to impact secondary protein structure as these residues differ in polarity, charge, size and/or other properties. This substitution occurs at a position that is conserved across species. In silico analysis predicts this variant is probably damaging to the protein structure/function. We interpret R1648C as a variant of uncertain significance